The following is an entry in ClinVar:

NM_004463.3(FGD1):c.2043C>T (p.Val681=)

Gene: FGD1 (FYVE, RhoGEF and PH domain containing 1; minus strand). Cytogenetic location: Xp11.22.
Variant type: single nucleotide variant.
Coding change: c.2043C>T on transcript NM_004463.3 (MANE Select); coding-DNA position 2043, C replaced by T.
Protein change: p.Val681=; no amino-acid change (valine 681 retained).
Molecular consequence: synonymous variant.
Genome position (GRCh38, 1-based): chrX:54,450,274, G>A on the plus strand (C>T on the coding strand, the complement: FGD1 is on the minus strand). VCF-style: chrX-54450274-G-A. GRCh37 (hg19) VCF-style: chrX-54476707-G-A.
Identifiers: ClinVar variation 589571 (VCV000589571.34), dbSNP rs144902747, ClinGen allele CA10425017.

ClinVar aggregate classification (germline): Benign/Likely benign. Review status: criteria provided, multiple submitters, no conflicts (2 of 4 stars). 6 submissions from 6 submitters: Benign (2); Likely benign (2). 2 of the submissions do not count toward it. Last evaluated 2025-12-29.

Conditions:
Inborn genetic diseases. Identifiers: MedGen C0950123, MeSH D030342.

Allele frequency attached by ClinVar (database versions not stated): ESP Exome Variant Server 0.00009; TOPMed 0.00015; ExAC 0.00017; gnomAD exomes 0.00019 and 0.00029; gnomAD 0.00035.
gnomAD v4.1: 345 of 1,207,972 alleles (0.029%); highest among the groups gnomAD compares: Middle Eastern, 0.046%; no homozygotes.

Submissions (6):

Labcorp Genetics (formerly Invitae), Labcorp
Classification: Benign. Last evaluated: 2025-12-29. Review status: criteria provided, single submitter. Criteria: Invitae Variant Classification Sherloc (09022015). Collection method: clinical testing. Allele origin: germline.

Blueprint Genetics
Classification: Likely benign. Last evaluated: 2024-10-18. Review status: criteria provided, single submitter. Criteria: ACMG Guidelines, 2015. Collection method: clinical testing. Allele origin: germline.

CeGaT Center for Human Genetics Tuebingen
Classification: Likely benign. Last evaluated: 2024-07-01. Review status: criteria provided, single submitter. Criteria: CeGaT Center For Human Genetics Tuebingen Variant Classification Criteria Version 2. Collection method: clinical testing. Allele origin: germline. Affected: yes. Observed: 1 variant allele.
Comment: FGD1: BP4, BS2

Ambry Genetics
Classification: Benign for Inborn genetic diseases. Last evaluated: 2017-05-17. Review status: criteria provided, single submitter. Criteria: Ambry Variant Classification Scheme 2023. Collection method: clinical testing. Allele origin: germline.

Clinical Genetics DNA and cytogenetics Diagnostics Lab, Erasmus MC, Erasmus Medical Center
Classification: Likely benign. Review status: no assertion criteria provided. Collection method: clinical testing. Allele origin: germline. Affected: yes. Study: VKGL Data-share Consensus. Not counted in ClinVar's aggregate classification.

Genome Diagnostics Laboratory, University Medical Center Utrecht
Classification: Likely benign. Review status: no assertion criteria provided. Collection method: clinical testing. Allele origin: germline. Affected: yes. Study: VKGL Data-share Consensus. Not counted in ClinVar's aggregate classification.